The following is an entry in ClinVar:

NM_032444.4(SLX4):c.619_623dup (p.Leu208fs)

Gene: SLX4 (SLX4 structure-specific endonuclease subunit; minus strand). Cytogenetic location: 16p13.3.
Variant type: Duplication.
Coding change: c.619_623dup on transcript NM_032444.4 (MANE Select); coding-DNA positions 619 to 623, 5 bases duplicated (CAATT; older notation c.619_623dupCAATT).
Protein change: p.Leu208fs; shifts the reading frame from leucine 208.
Molecular consequence: frameshift variant.
Genome position (GRCh38, 1-based): chr16:3,606,611-3,606,615, AATTG duplicated on the plus strand (CAATT on the coding strand, the reverse complement: SLX4 is on the minus strand). VCF-style (leftmost placement, unchanged base first): chr16-3606610-C-CAATTG. GRCh37 (hg19) VCF-style: chr16-3656611-C-CAATTG.
Other names: short protein forms L208fs.
Identifiers: ClinVar variation 1982304 (VCV001982304.4), dbSNP rs2548224341, ClinGen allele CA2580091091.

ClinVar aggregate classification (germline): Pathogenic (1 of 4 stars; one submission).

Conditions:
Fanconi anemia (FA). Also called: Fanconi's anemia. Identifiers: Orphanet 84, MedGen C0015625, MeSH D005199, MONDO:0019391.

Submission:

Labcorp Genetics (formerly Invitae), Labcorp
Classification: Pathogenic for Fanconi anemia. Last evaluated: 2022-08-31. Review status: criteria provided, single submitter. Criteria: Invitae Variant Classification Sherloc (09022015). Collection method: clinical testing. Allele origin: germline.
Comment: This variant is not present in population databases (gnomAD no frequency). This sequence change creates a premature translational stop signal (p.Leu208Phefs*19) in the SLX4 gene. It is expected to result in an absent or disrupted protein product. Loss-of-function variants in SLX4 are known to be pathogenic (PMID: 21240277). Algorithms developed to predict the effect of sequence changes on RNA splicing suggest that this variant may create or strengthen a splice site. This variant has not been reported in the literature in individuals affected with SLX4-related conditions. For these reasons, this variant has been classified as Pathogenic.

Literature cited by the submitters: PubMed 21240277.